The following is an entry in ClinVar:

ClinVar aggregate classification (germline): Likely pathogenic (1 of 4 stars; one submission).

Conditions:
Encephalopathy due to defective mitochondrial and peroxisomal fission 2 (EMPF2). Identifiers: Orphanet 485421, MedGen C4310726, MONDO:0014905, OMIM 617086.

Submission:

Women's Health and Genetics/Laboratory Corporation of America, LabCorp
Classification: Likely pathogenic for Encephalopathy due to defective mitochondrial and peroxisomal fission 2. Last evaluated: 2026-01-19. Review status: criteria provided, single submitter. Criteria: LabCorp Variant Classification Summary - May 2015. Collection method: clinical testing. Allele origin: germline.
Comment: Variant summary: MFF c.38+1G>T is located in a canonical splice-site and is predicted to affect mRNA splicing resulting in a significantly altered protein due to either exon skipping, shortening, or inclusion of intronic material. Variants that disrupt the consensus splice site are a relatively common cause of aberrant splicing and loss of MFF function. Several computational tools predict a significant impact on normal splicing: Three predict the variant abolishes a 5' splicing donor site. However, these predictions have yet to be confirmed by functional studies. The frequency data for this variant in gnomAD is considered unreliable, as metrics indicate poor data quality at this position. To our knowledge, no occurrence of c.38+1G>T in individuals affected with MFF-related conditions and no experimental evidence demonstrating its impact on protein function have been reported. No submitters have cited clinical-significance assessments for this variant to ClinVar. Based on the evidence outlined above, the variant was classified as likely pathogenic.

NM_001277062.2(MFF):c.-40-842G>T

Gene: MFF (mitochondrial fission factor; plus strand). Cytogenetic location: 2q36.3.
Variant type: single nucleotide variant.
Coding change: c.-40-842G>T on transcript NM_001277062.2 (MANE Select); 842 bases into the intron before 40 bases upstream of the start codon, G replaced by T.
Molecular consequence: intron variant. On other transcripts: splice donor variant (3).
Genome position (GRCh38, 1-based): chr2:227,329,784, G>T. VCF-style: chr2-227329784-G-T. GRCh37 (hg19) VCF-style: chr2-228194500-G-T.
Other names: c.38+1G>T (NM_001277061.2, NM_020194.5); c.-40-842G>T (NM_001277063.2, NM_001277064.2, NM_001277065.2 and 2 more transcripts); c.-36+1G>T (NM_001277067.1).
Identifiers: ClinVar variation 4689263 (VCV004689263.1).